The following is an entry in ClinVar:

ClinVar aggregate classification (germline): Uncertain significance. Review status: criteria provided, multiple submitters, no conflicts (2 of 4 stars). 2 submissions from 2 submitters: Uncertain significance (2). Last evaluated 2024-06-12.

Conditions:
Familial cancer of breast. Also called: hereditary breast carcinoma; BREAST CANCER, FAMILIAL; Hereditary breast cancer. Identifiers: Orphanet 227535, MedGen C0346153, MONDO:0016419, OMIM 114480. Disease mechanism: loss of function.
Fanconi anemia complementation group J. Also called: BRIP1-Related Fanconi Anemia. Identifiers: Orphanet 84, MedGen C1836860, MONDO:0012187, OMIM 609054.
Hereditary cancer-predisposing syndrome. Also called: Hereditary Cancer Syndrome; Tumor predisposition; Neoplastic Syndromes, Hereditary; Hereditary neoplastic syndrome. Identifiers: Orphanet 140162, MedGen C0027672, MeSH D009386, MONDO:0015356.

Submissions (2):

Labcorp Genetics (formerly Invitae), Labcorp
Classification: Uncertain significance for Familial cancer of breast; Fanconi anemia complementation group J. Last evaluated: 2024-06-12. Review status: criteria provided, single submitter. Criteria: Invitae Variant Classification Sherloc (09022015). Collection method: clinical testing. Allele origin: germline.
Comment: This sequence change replaces aspartic acid, which is acidic and polar, with valine, which is neutral and non-polar, at codon 566 of the BRIP1 protein (p.Asp566Val). This variant is not present in population databases (gnomAD no frequency). This variant has not been reported in the literature in individuals affected with BRIP1-related conditions. ClinVar contains an entry for this variant (Variation ID: 652995). Advanced modeling of protein sequence and biophysical properties (such as structural, functional, and spatial information, amino acid conservation, physicochemical variation, residue mobility, and thermodynamic stability) performed at Invitae indicates that this missense variant is expected to disrupt BRIP1 protein function with a positive predictive value of 80%. In summary, the available evidence is currently insufficient to determine the role of this variant in disease. Therefore, it has been classified as a Variant of Uncertain Significance.

Ambry Genetics
Classification: Uncertain significance for Hereditary cancer-predisposing syndrome. Last evaluated: 2021-09-30. Review status: criteria provided, single submitter. Criteria: Ambry Variant Classification Scheme 2023. Collection method: clinical testing. Allele origin: germline.
Comment: The p.D566V variant (also known as c.1697A>T), located in coding exon 11 of the BRIP1 gene, results from an A to T substitution at nucleotide position 1697. The aspartic acid at codon 566 is replaced by valine, an amino acid with highly dissimilar properties. This amino acid position is conserved. In addition, the in silico prediction for this alteration is inconclusive. Since supporting evidence is limited at this time, the clinical significance of this alteration remains unclear.

NM_032043.3(BRIP1):c.1697A>T (p.Asp566Val)

Gene: BRIP1 (BRCA1 interacting DNA helicase 1; minus strand). Cytogenetic location: 17q23.2.
Variant type: single nucleotide variant.
Coding change: c.1697A>T on transcript NM_032043.3 (MANE Select); coding-DNA position 1697, A replaced by T.
Protein change: p.Asp566Val; replaces aspartic acid 566 with valine.
Molecular consequence: missense variant.
Genome position (GRCh38, 1-based): chr17:61,780,937, T>A on the plus strand (A>T on the coding strand, the complement: BRIP1 is on the minus strand). VCF-style: chr17-61780937-T-A. GRCh37 (hg19) VCF-style: chr17-59858298-T-A.
Other names: short protein forms D566V.
Identifiers: ClinVar variation 652995 (VCV000652995.12), dbSNP rs1603334596, ClinGen allele CA400480441.